The following is an entry in ClinVar:

NM_002691.4(POLD1):c.1212G>A (p.Pro404=)

Gene: POLD1 (DNA polymerase delta 1, catalytic subunit; plus strand). Cytogenetic location: 19q13.33.
Variant type: single nucleotide variant.
Coding change: c.1212G>A on transcript NM_002691.4 (MANE Select); coding-DNA position 1212, G replaced by A.
Protein change: p.Pro404=; no amino-acid change (proline 404 retained).
Molecular consequence: synonymous variant. On other transcripts: non-coding transcript variant (1).
Genome position (GRCh38, 1-based): chr19:50,403,567, G>A. VCF-style: chr19-50403567-G-A. GRCh37 (hg19) VCF-style: chr19-50906824-G-A.
Other names: c.1212G>A, p.Pro404= (NM_001256849.1, NM_001308632.1).
Identifiers: ClinVar variation 382316 (VCV000382316.18), dbSNP rs368758462, ClinGen allele CA9596063.
Genomic context (GRCh38, chr19:50,403,567, plus strand): 5'-CATCCGTATCATGGACCCCGACGTGATCACCGGTTACAACATCCAGAACTTCGACCTTCC[G>A]TACCTCATCTCTCGGGCCCAGACCCTCAAGGTGAGGGCTGGGCAGGTGGGAGGCTTCTCT-3'
Protein context (NP_002682.2, residues 394-414): TGYNIQNFDL[Pro404=]YLISRAQTLK

ClinVar aggregate classification (germline): Benign/Likely benign. Review status: criteria provided, multiple submitters, no conflicts (2 of 4 stars). 5 submissions from 5 submitters: Benign (1); Likely benign (4). Last evaluated 2026-01-20.

Conditions:
Hereditary cancer-predisposing syndrome. Also called: Neoplastic Syndromes, Hereditary; Hereditary neoplastic syndrome; Hereditary Cancer Syndrome; Tumor predisposition. Identifiers: Orphanet 140162, MedGen C0027672, MeSH D009386, MONDO:0015356.
POLD1-related disorder. Also called: POLD1-related disorders; POLD1-related condition.
POLD1-related polyposis and colorectal cancer syndrome (CRCS10). Also called: Colorectal cancer, susceptibility to, 10; Colorectal cancer 10; COLORECTAL CANCER, SUSCEPTIBILITY TO, ON CHROMOSOME 19q. Identifiers: Orphanet 220460, MedGen C2675481, MONDO:0012953, OMIM 612591.

Allele frequency attached by ClinVar (database versions not stated): gnomAD 0.00001 and 0.00002; gnomAD exomes 0.00004 and 0.00003; ExAC 0.00002; TOPMed 0.00002.

Submissions (5):

Labcorp Genetics (formerly Invitae), Labcorp
Classification: Likely benign for POLD1-related polyposis and colorectal cancer syndrome. Last evaluated: 2026-01-20. Review status: criteria provided, single submitter. Criteria: Invitae Variant Classification Sherloc (09022015). Collection method: clinical testing. Allele origin: germline.

PreventionGenetics, part of Exact Sciences
Classification: Likely benign for POLD1-related condition. Last evaluated: 2025-11-21. Review status: criteria provided, single submitter. Criteria: ACMG Guidelines, 2015. Collection method: clinical testing. Allele origin: germline.
Comment: This variant is classified as likely benign based on ACMG/AMP sequence variant interpretation guidelines (Richards et al. 2015 PMID: 25741868, with internal and published modifications).

Myriad Genetics, Inc.
Classification: Benign for POLD1-related polyposis and colorectal cancer syndrome. Last evaluated: 2025-02-05. Review status: criteria provided, single submitter. Criteria: Myriad Autosomal Dominant, Autosomal Recessive and X-Linked Classification Criteria (2023). Collection method: clinical testing. Allele origin: unknown.
Comment: This variant is considered benign. This variant is a silent/synonymous amino acid change and it is not expected to impact splicing.

GeneDx
Classification: Likely benign. Last evaluated: 2017-12-28. Review status: criteria provided, single submitter. Criteria: GeneDx Variant Classification (06012015). Collection method: clinical testing. Allele origin: germline. Affected: yes.
Comment: This variant is considered likely benign or benign based on one or more of the following criteria: it is a conservative change, it occurs at a poorly conserved position in the protein, it is predicted to be benign by multiple in silico algorithms, and/or has population frequency not consistent with disease.

Ambry Genetics
Classification: Likely benign for Hereditary cancer-predisposing syndrome. Last evaluated: 2016-02-01. Review status: criteria provided, single submitter. Criteria: Ambry Variant Classification Scheme 2023. Collection method: clinical testing. Allele origin: germline.